The following is an entry in ClinVar:

ClinVar aggregate classification (germline): Likely pathogenic (1 of 4 stars; one submission).

Conditions:
Autosomal recessive limb-girdle muscular dystrophy type 2J (LGMDR10). Also called: Limb-girdle muscular dystrophy, type 2J; MUSCULAR DYSTROPHY, LIMB-GIRDLE, AUTOSOMAL RECESSIVE 10. Identifiers: Orphanet 140922, MedGen C1837342, MONDO:0012127, OMIM 608807.
Dilated cardiomyopathy 1G (CMD1G). Identifiers: Orphanet 154, MedGen C1858763, MONDO:0011400, OMIM 604145.

Submission:

Labcorp Genetics (formerly Invitae), Labcorp
Classification: Likely pathogenic for Dilated cardiomyopathy 1G; Autosomal recessive limb-girdle muscular dystrophy type 2J. Last evaluated: 2025-05-29. Review status: criteria provided, single submitter. Criteria: Invitae Variant Classification Sherloc (09022015). Collection method: clinical testing. Allele origin: germline.
Comment: This sequence change affects a donor splice site in intron 293 of the TTN gene. It is expected to disrupt RNA splicing and likely results in a truncated or disrupted TTN protein. This variant is not present in population databases (gnomAD no frequency). Disruption of this splice site has been observed in individual(s) with dilated cardiomyopathy (PMID: 27813223, 29650543, 31112426; internal). Algorithms developed to predict the effect of sequence changes on RNA splicing suggest that this variant may disrupt the consensus splice site. This variant is located in the A band of TTN (PMID: 25589632). Truncating variants in this region are significantly overrepresented in patients affected with dilated cardiomyopathy (PMID: 25589632). Truncating variants in this region have also been reported in individuals affected with autosomal recessive centronuclear myopathy (PMID: 23975875). In summary, the currently available evidence indicates that the variant is pathogenic, but additional data are needed to prove that conclusively. Therefore, this variant has been classified as Likely Pathogenic.

Literature cited by the submitters: PubMed 27813223; PubMed 29650543; PubMed 31112426; PubMed 25589632; PubMed 23975875.

NM_001267550.2(TTN):c.57262+1G>T

Genes: TTN-AS1 (TTN antisense RNA 1; plus strand), TTN (titin; minus strand). Cytogenetic location: 2q31.2.
Variant type: single nucleotide variant.
Coding change: c.57262+1G>T on transcript NM_001267550.2 (MANE Select); the canonical splice donor site of the intron after coding-DNA position 57262, G replaced by T.
Molecular consequence: splice donor variant.
Genome position (GRCh38, 1-based): chr2:178,597,907, C>A on the plus strand (G>T on the coding strand, the complement: TTN is on the minus strand). VCF-style: chr2-178597907-C-A. GRCh37 (hg19) VCF-style: chr2-179462634-C-A.
Other names: c.30067+1G>T (NM_003319.4); c.30643+1G>T (NM_133437.4); c.30442+1G>T (NM_133432.3); c.49558+1G>T (NM_133378.4); c.52339+1G>T (NM_001256850.1).
Identifiers: ClinVar variation 4785091 (VCV004785091.1).
Genomic context (GRCh38, chr2:178,597,907, plus strand): 5'-GATTTTTCCCCTTCAATCTGAAACATAAATACTGATGGCATAAGGAAGGATTGATAATTA[C>A]CAAGTCTGTCCTTCATTTCAATGACATCTGTGACCTCTCCAGGTTCTCCAATGCCAGCAA-3'